The following is an entry in ClinVar:

NM_001378454.1(ALMS1):c.422C>T (p.Thr141Ile)

Gene: ALMS1 (ALMS1 centrosome and basal body associated protein; plus strand). Cytogenetic location: 2p13.1.
Variant type: single nucleotide variant.
Coding change: c.422C>T on transcript NM_001378454.1 (MANE Select); coding-DNA position 422, C replaced by T.
Protein change: p.Thr141Ile; replaces threonine 141 with isoleucine.
Molecular consequence: missense variant.
Genome position (GRCh38, 1-based): chr2:73,408,719, C>T. VCF-style: chr2-73408719-C-T. GRCh37 (hg19) VCF-style: chr2-73635847-C-T.
Other names: c.425C>T, p.Thr142Ile (NM_015120.4); short protein forms T141I, T142I.
Identifiers: ClinVar variation 2196159 (VCV002196159.4), dbSNP rs749496245, ClinGen allele CA1712827.

ClinVar aggregate classification (germline): Conflicting classifications of pathogenicity. Review status: criteria provided, conflicting classifications (1 of 4 stars). 2 submissions from 2 submitters: Uncertain significance (1); Likely benign (1). Last evaluated 2024-09-03.

Conditions:
Cardiovascular phenotype. Identifiers: MedGen CN230736.
Alstrom syndrome (ALMS). Identifiers: Orphanet 64, MedGen C0268425, MONDO:0008763, OMIM 203800.

Allele frequency attached by ClinVar (database versions not stated): TOPMed below 0.00001; ExAC 0.00001; gnomAD 0.00001.
gnomAD v4.1: 5 of 1,612,696 alleles (0.00031%); highest among the groups gnomAD compares: African/African-American, 0.0067%; no homozygotes.

Submissions (2):

Labcorp Genetics (formerly Invitae), Labcorp
Classification: Uncertain significance for Alstrom syndrome. Last evaluated: 2024-09-03. Review status: criteria provided, single submitter. Criteria: Invitae Variant Classification Sherloc (09022015). Collection method: clinical testing. Allele origin: germline.
Comment: This sequence change replaces threonine, which is neutral and polar, with isoleucine, which is neutral and non-polar, at codon 142 of the ALMS1 protein (p.Thr142Ile). This variant is present in population databases (rs749496245, gnomAD 0.007%). This variant has not been reported in the literature in individuals affected with ALMS1-related conditions. ClinVar contains an entry for this variant (Variation ID: 2196159). Experimental studies and prediction algorithms are not available or were not evaluated, and the functional significance of this variant is currently unknown. In summary, the available evidence is currently insufficient to determine the role of this variant in disease. Therefore, it has been classified as a Variant of Uncertain Significance.

Ambry Genetics
Classification: Likely benign for Cardiovascular phenotype. Last evaluated: 2023-12-02. Review status: criteria provided, single submitter. Criteria: Ambry Variant Classification Scheme 2023. Collection method: clinical testing. Allele origin: germline.